The following is an entry in ClinVar:

ClinVar aggregate classification (germline): Uncertain significance (1 of 4 stars; one submission).

Allele frequency attached by ClinVar (database versions not stated): gnomAD exomes 0.00001 and 0.00005; ExAC 0.00006; gnomAD 0.00016 and 0.00019; TOPMed 0.00022; ESP Exome Variant Server 0.00031.
gnomAD v4.1: 48 of 1,613,040 alleles (0.003%); highest among the groups gnomAD compares: African/African-American, 0.055%; no homozygotes.

Submission:

Labcorp Genetics (formerly Invitae), Labcorp
Classification: Uncertain significance. Last evaluated: 2024-02-23. Review status: criteria provided, single submitter. Criteria: Invitae Variant Classification Sherloc (09022015). Collection method: clinical testing. Allele origin: germline.
Comment: This sequence change falls in intron 3 of the MYLIP gene. It does not directly change the encoded amino acid sequence of the MYLIP protein. It affects a nucleotide within the consensus splice site. This variant is present in population databases (rs374523605, gnomAD 0.08%), and has an allele count higher than expected for a pathogenic variant. This variant has not been reported in the literature in individuals affected with MYLIP-related conditions. ClinVar contains an entry for this variant (Variation ID: 1424428). Variants that disrupt the consensus splice site are a relatively common cause of aberrant splicing (PMID: 17576681, 9536098). Algorithms developed to predict the effect of sequence changes on RNA splicing suggest that this variant is not likely to affect RNA splicing. In summary, the available evidence is currently insufficient to determine the role of this variant in disease. Therefore, it has been classified as a Variant of Uncertain Significance.

Literature cited by the submitters: PubMed 17576681; PubMed 9536098.

NM_013262.4(MYLIP):c.465-3C>T

Gene: MYLIP (myosin regulatory light chain interacting protein; plus strand). Cytogenetic location: 6p22.3.
Variant type: single nucleotide variant.
Coding change: c.465-3C>T on transcript NM_013262.4 (MANE Select); 3 bases into the intron before coding-DNA position 465, C replaced by T.
Molecular consequence: intron variant.
Genome position (GRCh38, 1-based): chr6:16,143,017, C>T. VCF-style: chr6-16143017-C-T. GRCh37 (hg19) VCF-style: chr6-16143248-C-T.
Identifiers: ClinVar variation 1424428 (VCV001424428.6), dbSNP rs374523605, ClinGen allele CA3644499.